The following is an entry in ClinVar:

NM_020771.4(HACE1):c.192G>A (p.Val64=)

Gene: HACE1 (HECT domain and ankyrin repeat containing E3 ubiquitin protein ligase 1; minus strand). Cytogenetic location: 6q16.3.
Variant type: single nucleotide variant.
Coding change: c.192G>A on transcript NM_020771.4 (MANE Select); coding-DNA position 192, G replaced by A.
Protein change: p.Val64=; no amino-acid change (valine 64 retained).
Molecular consequence: synonymous variant. On other transcripts: 5 prime UTR variant (6), non-coding transcript variant (7).
Genome position (GRCh38, 1-based): chr6:104,850,936, C>T on the plus strand (G>A on the coding strand, the complement: HACE1 is on the minus strand). VCF-style: chr6-104850936-C-T. GRCh37 (hg19) VCF-style: chr6-105298811-C-T.
Other names: c.192G>A, p.Val64= (NM_001321080.2, NM_001350555.2); c.90G>A, p.Val30= (NM_001321083.2, NM_001350554.2); c.-230G>A (NM_001321084.2, NM_001350558.2); c.-219G>A (NM_001350556.2); c.-154G>A (NM_001350557.2); c.-176G>A (NM_001350559.2); c.-384G>A (NM_001350560.2).
Identifiers: ClinVar variation 2656801 (VCV002656801.27), dbSNP rs185857252, ClinGen allele CA3940609.
Genomic context (GRCh38, chr6:104,850,936, plus strand): 5'-AGAGTTTAACTCAAAATATCTTTAGTCTTACTTTGCTGCAATGTGAAGCAAGCTTCTTTT[C>T]ACACGTCCGAATGCATAATTGACATCAAATTTTGAATTTGATAGTAGTTCAGAAACAGAC-3'
Protein context (NP_065822.2, residues 54-74): KFDVNYAFGR[Val64=]KRSLLHIAAN

ClinVar aggregate classification (germline): Benign/Likely benign. Review status: criteria provided, multiple submitters, no conflicts (2 of 4 stars). 2 submissions from 2 submitters: Benign (1); Likely benign (1). Last evaluated 2026-09-01.

Allele frequency attached by ClinVar (database versions not stated): gnomAD 0.00019; gnomAD exomes 0.00020; 1000 Genomes Project 30x 0.00047; 1000 Genomes Project 0.00060; ExAC 0.00073.
gnomAD v4.1: 325 of 1,609,446 alleles (0.02%); highest among the groups gnomAD compares: East Asian, 0.3%; 1 homozygote.

Submissions (2):

CeGaT Center for Human Genetics Tuebingen
Classification: Likely benign. Last evaluated: 2026-09-01. Review status: criteria provided, single submitter. Criteria: CeGaT Center For Human Genetics Tuebingen Variant Classification Criteria Version 2. Collection method: clinical testing. Allele origin: germline. Affected: yes. Observed: 2 variant alleles.
Comment: HACE1: BP4, BP7

Labcorp Genetics (formerly Invitae), Labcorp
Classification: Benign. Last evaluated: 2025-10-02. Review status: criteria provided, single submitter. Criteria: Invitae Variant Classification Sherloc (09022015). Collection method: clinical testing. Allele origin: germline.